The following is an entry in ClinVar:

ClinVar aggregate classification (germline): Uncertain significance (1 of 4 stars; one submission).

Conditions:
Cardiomyopathy (CMYO). Also called: Cardiomyopathies. Identifiers: Orphanet 167848, MedGen C0878544, MONDO:0004994, HP:0001638. Inheritance: Various modes of inheritance.

Submission:

Color Diagnostics, LLC DBA Color Health
Classification: Uncertain significance for Cardiomyopathy. Last evaluated: 2024-04-15. Review status: criteria provided, single submitter. Criteria: ACMG Guidelines, 2015. Collection method: clinical testing. Allele origin: germline.
Comment: This missense variant replaces alanine with aspartic acid at codon 410 of the DSC2 protein. Computational prediction suggests that this variant may not impact protein structure and function (internally defined REVEL score threshold <= 0.5, PMID: 27666373). To our knowledge, functional studies have not been reported for this variant. This variant has not been reported in individuals affected with DSC2-related disorders in the literature. This variant has not been identified in the general population by the Genome Aggregation Database (gnomAD). The available evidence is insufficient to determine the role of this variant in disease conclusively. Therefore, this variant is classified as a Variant of Uncertain Significance.

NM_024422.6(DSC2):c.1229C>A (p.Ala410Asp)

Gene: DSC2 (desmocollin 2; minus strand). Cytogenetic location: 18q12.1.
Variant type: single nucleotide variant.
Coding change: c.1229C>A on transcript NM_024422.6 (MANE Select); coding-DNA position 1229, C replaced by A.
Protein change: p.Ala410Asp; replaces alanine 410 with aspartic acid.
Molecular consequence: missense variant.
Genome position (GRCh38, 1-based): chr18:31,082,272, G>T on the plus strand (C>A on the coding strand, the complement: DSC2 is on the minus strand). VCF-style: chr18-31082272-G-T. GRCh37 (hg19) VCF-style: chr18-28662238-G-T.
Other names: c.800C>A, p.Ala267Asp (NM_001406506.1, NM_001406507.1); c.1229C>A, p.Ala410Asp (NM_004949.5); short protein forms A267D, A410D.
Identifiers: ClinVar variation 3893762 (VCV003893762.1).
Genomic context (GRCh38, chr18:31,082,272, plus strand): 5'-CAAATAATGTTCTAATTTATTCTTACCTTAACTACACAAAGAACTCCTTCATTGGTTTTG[G>T]CATCTGTTACAATTTTAAAATTGCCATTTTCATTGCCCTTTAAAATGGTATAATTAGCTC-3'
Protein context (NP_077740.1, residues 400-420): ENGNFKIVTD[Ala410Asp]KTNEGVLCVV